The following is an entry in ClinVar:

NM_006514.4(SCN10A):c.3038G>A (p.Gly1013Asp)

Genes: SCN10A (sodium voltage-gated channel alpha subunit 10; minus strand), LOC110121288 (VISTA enhancer hs2268; plus strand). Cytogenetic location: 3p22.2.
Variant type: single nucleotide variant.
Coding change: c.3038G>A on transcript NM_006514.4 (MANE Select); coding-DNA position 3038, G replaced by A.
Protein change: p.Gly1013Asp; replaces glycine 1013 with aspartic acid.
Molecular consequence: missense variant.
Genome position (GRCh38, 1-based): chr3:38,726,655, C>T on the plus strand (G>A on the coding strand, the complement: SCN10A is on the minus strand). VCF-style: chr3-38726655-C-T. GRCh37 (hg19) VCF-style: chr3-38768146-C-T.
Other names: c.3038G>A, p.Gly1013Asp (NM_001293306.2); c.2744G>A, p.Gly915Asp (NM_001293307.2); short protein forms G1013D, G915D.
Identifiers: ClinVar variation 1062219 (VCV001062219.7), dbSNP rs1228092020, ClinGen allele CA352157313.

ClinVar aggregate classification (germline): Uncertain significance. Review status: criteria provided, multiple submitters, no conflicts (2 of 4 stars). 2 submissions from 2 submitters: Uncertain significance (2). Last evaluated 2021-01-25.

Conditions:
Brugada syndrome. Also called: Sudden unexplained nocturnal death syndrome; Sudden Unexplained Death Syndrome; Sudden Unexplained Nocturnal Death Syndrome (SUNDS); Sudden unexpected nocturnal death syndrome. Identifiers: Orphanet 130, MedGen C1142166, MONDO:0015263.
Cardiovascular phenotype. Identifiers: MedGen CN230736.

Allele frequency attached by ClinVar (database versions not stated): gnomAD exomes below 0.00001.
gnomAD v4.1: 1 of 1,605,134 alleles (0.000062%); highest among the groups gnomAD compares: Middle Eastern, 0.017%; no homozygotes.

Submissions (2):

Ambry Genetics
Classification: Uncertain significance for Cardiovascular phenotype. Last evaluated: 2021-01-25. Review status: criteria provided, single submitter. Criteria: Ambry Variant Classification Scheme 2023. Collection method: clinical testing. Allele origin: germline.
Comment: The p.G1013D variant (also known as c.3038G>A), located in coding exon 16 of the SCN10A gene, results from a G to A substitution at nucleotide position 3038. The glycine at codon 1013 is replaced by aspartic acid, an amino acid with similar properties. This amino acid position is not well conserved in available vertebrate species, and aspartic acid is the reference amino acid in other vertebrate species. In addition, this alteration is predicted to be tolerated by in silico analysis. Since supporting evidence is limited at this time, the clinical significance of this alteration remains unclear.

Labcorp Genetics (formerly Invitae), Labcorp
Classification: Uncertain significance for Brugada syndrome. Last evaluated: 2020-04-30. Review status: criteria provided, single submitter. Criteria: Invitae Variant Classification Sherloc (09022015). Collection method: clinical testing. Allele origin: germline.
Comment: This variant has not been reported in the literature in individuals with SCN10A-related conditions. In summary, the available evidence is currently insufficient to determine the role of this variant in disease. Therefore, it has been classified as a Variant of Uncertain Significance. Algorithms developed to predict the effect of missense changes on protein structure and function output the following: SIFT: "Tolerated"; PolyPhen-2: "Benign"; Align-GVGD: "Class C0". The aspartic acid amino acid residue is found in multiple mammalian species, suggesting that this missense change does not adversely affect protein function. These predictions have not been confirmed by published functional studies and their clinical significance is uncertain. This variant is not present in population databases (ExAC no frequency). This sequence change replaces glycine with aspartic acid at codon 1013 of the SCN10A protein (p.Gly1013Asp). The glycine residue is weakly conserved and there is a moderate physicochemical difference between glycine and aspartic acid.